The following is an entry in ClinVar:

NM_001211.6(BUB1B):c.2582T>G (p.Leu861Trp)

Gene: BUB1B (BUB1 mitotic checkpoint serine/threonine kinase B; plus strand). Cytogenetic location: 15q15.1.
Variant type: single nucleotide variant.
Coding change: c.2582T>G on transcript NM_001211.6 (MANE Select); coding-DNA position 2582, T replaced by G.
Protein change: p.Leu861Trp; replaces leucine 861 with tryptophan.
Molecular consequence: missense variant.
Genome position (GRCh38, 1-based): chr15:40,213,378, T>G. VCF-style: chr15-40213378-T-G. GRCh37 (hg19) VCF-style: chr15-40505579-T-G.
Other names: short protein forms L861W.
Identifiers: ClinVar variation 573457 (VCV000573457.13), dbSNP rs1566828619, ClinGen allele CA391686139.

ClinVar aggregate classification (germline): Uncertain significance. Review status: criteria provided, multiple submitters, no conflicts (2 of 4 stars). 2 submissions from 2 submitters: Uncertain significance (2). Last evaluated 2023-06-09.

Conditions:
Mosaic variegated aneuploidy syndrome 1 (MVA1). Also called: Warburton-Anyane-Yeboa syndrome. Identifiers: Orphanet 1052, MedGen C1850343, MONDO:0009759, OMIM 257300.
Inborn genetic diseases. Identifiers: MedGen C0950123, MeSH D030342.

Allele frequency attached by ClinVar (database versions not stated): gnomAD exomes below 0.00001.
gnomAD v4.1: 1 of 1,613,754 alleles (0.000062%); highest among the groups gnomAD compares: Non-Finnish European, 0.000085%; no homozygotes.

Submissions (2):

Labcorp Genetics (formerly Invitae), Labcorp
Classification: Uncertain significance for Mosaic variegated aneuploidy syndrome 1. Last evaluated: 2023-06-09. Review status: criteria provided, single submitter. Criteria: Invitae Variant Classification Sherloc (09022015). Collection method: clinical testing. Allele origin: germline.
Comment: In summary, the available evidence is currently insufficient to determine the role of this variant in disease. Therefore, it has been classified as a Variant of Uncertain Significance. Algorithms developed to predict the effect of sequence changes on RNA splicing suggest that this variant may create or strengthen a splice site. An algorithm developed to predict the effect of missense changes on protein structure and function (PolyPhen-2) suggests that this variant is likely to be disruptive. ClinVar contains an entry for this variant (Variation ID: 573457). This variant has not been reported in the literature in individuals affected with BUB1B-related conditions. This variant is not present in population databases (gnomAD no frequency). This sequence change replaces leucine, which is neutral and non-polar, with tryptophan, which is neutral and slightly polar, at codon 861 of the BUB1B protein (p.Leu861Trp).

Ambry Genetics
Classification: Uncertain significance for Inborn genetic diseases. Last evaluated: 2022-04-19. Review status: criteria provided, single submitter. Criteria: Ambry Variant Classification Scheme 2023. Collection method: clinical testing. Allele origin: germline.
Comment: The p.L861W variant (also known as c.2582T>G), located in coding exon 20 of the BUB1B gene, results from a T to G substitution at nucleotide position 2582. The leucine at codon 861 is replaced by tryptophan, an amino acid with similar properties. This amino acid position is conserved. In addition, this alteration is predicted to be deleterious by in silico analysis. Since supporting evidence is limited at this time, the clinical significance of this alteration remains unclear.